The following is an entry in ClinVar:

ClinVar aggregate classification (germline): Uncertain significance (1 of 4 stars; one submission).

Conditions:
Hereditary cancer-predisposing syndrome. Also called: Neoplastic Syndromes, Hereditary; Tumor predisposition; Hereditary neoplastic syndrome; Hereditary Cancer Syndrome. Identifiers: Orphanet 140162, MedGen C0027672, MeSH D009386, MONDO:0015356.

Allele frequency attached by ClinVar (database versions not stated): gnomAD exomes below 0.00001; TOPMed below 0.00001; ExAC 0.00001.
gnomAD v4.1: 3 of 1,614,232 alleles (0.00019%); highest among the groups gnomAD compares: Non-Finnish European, 0.00017%; no homozygotes.

Submission:

Ambry Genetics
Classification: Uncertain significance for Hereditary cancer-predisposing syndrome. Last evaluated: 2024-02-02. Review status: criteria provided, single submitter. Criteria: Ambry Variant Classification Scheme 2023. Collection method: clinical testing. Allele origin: germline.
Comment: The p.K1678E variant (also known as c.5032A>G), located in coding exon 22 of the DICER1 gene, results from an A to G substitution at nucleotide position 5032. The lysine at codon 1678 is replaced by glutamic acid, an amino acid with similar properties. This amino acid position is conserved. In addition, the in silico prediction for this alteration is inconclusive. Based on the available evidence, the clinical significance of this alteration remains unclear.

NM_177438.3(DICER1):c.5032A>G (p.Lys1678Glu)

Gene: DICER1 (dicer 1, ribonuclease III; minus strand). Cytogenetic location: 14q32.13.
Variant type: single nucleotide variant.
Coding change: c.5032A>G on transcript NM_177438.3 (MANE Select); coding-DNA position 5032, A replaced by G.
Protein change: p.Lys1678Glu; replaces lysine 1678 with glutamic acid.
Molecular consequence: missense variant. On other transcripts: non-coding transcript variant (6).
Genome position (GRCh38, 1-based): chr14:95,095,888, T>C on the plus strand (A>G on the coding strand, the complement: DICER1 is on the minus strand). VCF-style: chr14-95095888-T-C. GRCh37 (hg19) VCF-style: chr14-95562225-T-C.
Other names: c.5032A>G, p.Lys1678Glu (NM_001195573.1, NM_001271282.3, NM_001291628.2 and 13 more transcripts); c.4750A>G, p.Lys1584Glu (NM_001395686.1); c.4627A>G, p.Lys1543Glu (NM_001395687.1, NM_001395688.1, NM_001395689.1 and 2 more transcripts); c.4465A>G, p.Lys1489Glu (NM_001395691.1); c.3349A>G, p.Lys1117Glu (NM_001395697.1); short protein forms K1117E, K1489E, K1543E, K1584E, K1678E.
Identifiers: ClinVar variation 3229424 (VCV003229424.1), dbSNP rs758758363, ClinGen allele CA7330756.